The following is an entry in ClinVar:

ClinVar aggregate classification (germline): Uncertain significance (1 of 4 stars; one submission).

Submission:

Labcorp Genetics (formerly Invitae), Labcorp
Classification: Uncertain significance. Last evaluated: 2022-05-11. Review status: criteria provided, single submitter. Criteria: Invitae Variant Classification Sherloc (09022015). Collection method: clinical testing. Allele origin: germline.
Comment: This variant, c.3598_3603dup, results in the insertion of 2 amino acid(s) of the RERE protein (p.Arg1200_Glu1201dup), but otherwise preserves the integrity of the reading frame. This variant is present in population databases (no rsID available, gnomAD 0.0009%). This variant has not been reported in the literature in individuals affected with RERE-related conditions. In summary, the available evidence is currently insufficient to determine the role of this variant in disease. Therefore, it has been classified as a Variant of Uncertain Significance.

NM_001042681.2(RERE):c.3598_3603dup (p.Glu1201_Ala1202insArgGlu)

Gene: RERE (arginine-glutamic acid dipeptide repeats; minus strand). Cytogenetic location: 1p36.23.
Variant type: Duplication.
Coding change: c.3598_3603dup on transcript NM_001042681.2 (MANE Select); coding-DNA positions 3598 to 3603, 6 bases duplicated (CGCGAG; older notation c.3598_3603dupCGCGAG).
Protein change: p.Glu1201_Ala1202insArgGlu.
Molecular consequence: inframe insertion.
Genome position (GRCh38, 1-based): chr1:8,359,779-8,359,784, CTCGCG duplicated on the plus strand (CGCGAG on the coding strand, the reverse complement: RERE is on the minus strand); duplicating any 6 consecutive bases within chr1:8,359,779-8,359,787 gives the same sequence; the c. name uses the placement nearest the transcript's 3' end. VCF-style (leftmost placement, unchanged base first): chr1-8359778-C-CCTCGCG. GRCh37 (hg19) VCF-style: chr1-8419838-C-CCTCGCG.
Other names: c.1936_1941dup, p.Glu647_Ala648insArgGlu (NM_001042682.2); c.3598_3603dup, p.Glu1201_Ala1202insArgGlu (NM_012102.4).
Identifiers: ClinVar variation 2073137 (VCV002073137.4), dbSNP rs1309469940, ClinGen allele CA521020232.
Genomic context (GRCh38, chr1:8,359,778, plus strand): 5'-GGATGGACCAGCGCCCCCCGTCACACCTCGCCAACCCTGGACTCACAGCCGCCCGCTCTG[C>CCTCGCG]CTCGCGCTCCCGCTCTCGCTCCCGCTCCCGCTCCTTCTCCTTCTCCTTCTCCCGCTCTCG-3'